The following is an entry in ClinVar:

ClinVar aggregate classification (germline): Uncertain significance (1 of 4 stars; one submission).

Submission:

GeneDx
Classification: Uncertain significance. Last evaluated: 2019-08-21. Review status: criteria provided, single submitter. Criteria: GeneDx Variant Classification Process June 2021. Collection method: clinical testing. Allele origin: germline. Affected: yes.
Comment: Not observed in large population cohorts (Lek et al., 2016); In silico analysis, which includes protein predictors and evolutionary conservation, supports a deleterious effect; Has not been previously published as pathogenic or benign to our knowledge

NM_001854.4(COL11A1):c.1688C>T (p.Pro563Leu)

Gene: COL11A1 (collagen type XI alpha 1 chain; minus strand). Cytogenetic location: 1p21.1.
Variant type: single nucleotide variant.
Coding change: c.1688C>T on transcript NM_001854.4 (MANE Select); coding-DNA position 1688, C replaced by T.
Protein change: p.Pro563Leu; replaces proline 563 with leucine.
Molecular consequence: missense variant. On other transcripts: non-coding transcript variant (1).
Genome position (GRCh38, 1-based): chr1:103,006,311, G>A on the plus strand (C>T on the coding strand, the complement: COL11A1 is on the minus strand). VCF-style: chr1-103006311-G-A. GRCh37 (hg19) VCF-style: chr1-103471867-G-A.
Other names: c.1571C>T, p.Pro524Leu (NM_001190709.2); c.1724C>T, p.Pro575Leu (NM_080629.3); c.1340C>T, p.Pro447Leu (NM_080630.4); short protein forms P447L, P524L, P563L, P575L.
Identifiers: ClinVar variation 1303136 (VCV001303136.2), dbSNP rs2101854756, ClinGen allele CA341175221.
Genomic context (GRCh38, chr1:103,006,311, plus strand): 5'-ATAAGCCATACCCTTTTTCCAGGTTTTCCCGTTGGACCAGGGGGACCCTGGACGCCTCGA[G>A]GGCCCTATATCAAGACATCATAATTAAACCATATTATAGAATTCTTGATCAATAAACTCA-3'
Protein context (NP_001845.3, residues 553-573): GESGDPGPQG[Pro563Leu]RGVQGPPGPT